The following is an entry in ClinVar:

NM_000632.4(ITGAM):c.2779A>G (p.Met927Val)

Gene: ITGAM (integrin subunit alpha M; plus strand). Cytogenetic location: 16p11.2.
Variant type: single nucleotide variant.
Coding change: c.2779A>G on transcript NM_000632.4 (MANE Select); coding-DNA position 2779, A replaced by G.
Protein change: p.Met927Val; replaces methionine 927 with valine.
Molecular consequence: missense variant.
Genome position (GRCh38, 1-based): chr16:31,328,217, A>G. VCF-style: chr16-31328217-A-G. GRCh37 (hg19) VCF-style: chr16-31339538-A-G.
Other names: c.2779A>G (NM_000632.3); c.2782A>G, p.Met928Val (NM_001145808.2); short protein forms M927V, M928V.
Identifiers: ClinVar variation 2781295 (VCV002781295.4), dbSNP rs1339355005, ClinGen allele CA395696513.
Genomic context (GRCh38, chr16:31,328,217, plus strand): 5'-ATGCCCAGAACCAACAAAACCGAATTCCAACTGGAGCTGCCGGTGAAATATGCTGTCTAC[A>G]TGGTGGTCACCAGGTGCTGGCTTCCAGGACTTTAGCTGAGCCTCCACTTCTGGGCTGGAC-3'
Protein context (NP_000623.2, residues 917-937): LELPVKYAVY[Met927Val]VVTSHGVSTK

ClinVar aggregate classification (germline): Uncertain significance. Review status: criteria provided, multiple submitters, no conflicts (2 of 4 stars). 2 submissions from 2 submitters: Uncertain significance (2). Last evaluated 2025-09-23.

Allele frequency attached by ClinVar (database versions not stated): TOPMed below 0.00001; gnomAD exomes below 0.00001.
gnomAD v4.1: 4 of 1,613,784 alleles (0.00025%); highest among the groups gnomAD compares: East Asian, 0.0067%; no homozygotes.

Submissions (2):

Labcorp Genetics (formerly Invitae), Labcorp
Classification: Uncertain significance. Last evaluated: 2025-09-23. Review status: criteria provided, single submitter. Criteria: Invitae Variant Classification Sherloc (09022015). Collection method: clinical testing. Allele origin: germline.
Comment: This sequence change replaces methionine, which is neutral and non-polar, with valine, which is neutral and non-polar, at codon 927 of the ITGAM protein (p.Met927Val). This variant is not present in population databases (gnomAD no frequency). This variant has not been reported in the literature in individuals affected with ITGAM-related conditions. ClinVar contains an entry for this variant (Variation ID: 2781295). An algorithm developed to predict the effect of missense changes on protein structure and function outputs the following: PolyPhen-2: "Benign". The valine amino acid residue is found in multiple mammalian species, which suggests that this missense change does not adversely affect protein function. In summary, the available evidence is currently insufficient to determine the role of this variant in disease. Therefore, it has been classified as a Variant of Uncertain Significance.

Ambry Genetics
Classification: Uncertain significance. Last evaluated: 2024-01-08. Review status: criteria provided, single submitter. Criteria: Ambry Variant Classification Scheme 2023. Collection method: clinical testing. Allele origin: germline.